The following is an entry in ClinVar:

ClinVar aggregate classification (germline): Uncertain significance (1 of 4 stars; one submission).

Conditions:
Biotin-responsive basal ganglia disease (BTBGD). Also called: Thiamine Transporter-2 Deficiency; Thiamine metabolism dysfunction syndrome 2 (biotin- or thiamine-responsive encephalopathy type 2); THIAMINE METABOLISM DYSFUNCTION SYNDROME 2 (BIOTIN- AND THIAMINE-RESPONSIVE TYPE); Thiamine metabolism dysfunction syndrome type 2; thiamine-responsive encephalopathy. Identifiers: Orphanet 199348, Orphanet 65284, MedGen C1843807, MONDO:0011841, OMIM 607483.

Allele frequency attached by ClinVar (database versions not stated): TOPMed below 0.00001; gnomAD 0.00001.
gnomAD v4.1: 2 of 1,613,996 alleles (0.00012%); highest among the groups gnomAD compares: African/African-American, 0.0013%; no homozygotes.

Submission:

Labcorp Genetics (formerly Invitae), Labcorp
Classification: Uncertain significance for Biotin-responsive basal ganglia disease. Last evaluated: 2020-04-09. Review status: criteria provided, single submitter. Criteria: Invitae Variant Classification Sherloc (09022015). Collection method: clinical testing. Allele origin: germline.
Comment: In summary, the available evidence is currently insufficient to determine the role of this variant in disease. Therefore, it has been classified as a Variant of Uncertain Significance. Algorithms developed to predict the effect of missense changes on protein structure and function are either unavailable or do not agree on the potential impact of this missense change (SIFT: "Tolerated"; PolyPhen-2: "Possibly Damaging"; Align-GVGD: "Class C0"). This variant has not been reported in the literature in individuals with SLC19A3-related conditions. This variant is not present in population databases (ExAC no frequency). This sequence change replaces valine with isoleucine at codon 162 of the SLC19A3 protein (p.Val162Ile). The valine residue is moderately conserved and there is a small physicochemical difference between valine and isoleucine.

NM_025243.4(SLC19A3):c.484G>A (p.Val162Ile)

Gene: SLC19A3 (solute carrier family 19 member 3; minus strand). Cytogenetic location: 2q36.3.
Variant type: single nucleotide variant.
Coding change: c.484G>A on transcript NM_025243.4 (MANE Select); coding-DNA position 484, G replaced by A.
Protein change: p.Val162Ile; replaces valine 162 with isoleucine.
Molecular consequence: missense variant.
Genome position (GRCh38, 1-based): chr2:227,699,231, C>T on the plus strand (G>A on the coding strand, the complement: SLC19A3 is on the minus strand). VCF-style: chr2-227699231-C-T. GRCh37 (hg19) VCF-style: chr2-228563947-C-T.
Other names: c.484G>A, p.Val162Ile (NM_001371411.1, NM_001371412.1); c.472G>A, p.Val158Ile (NM_001371413.1, NM_001371414.1); short protein forms V158I, V162I.
Identifiers: ClinVar variation 1016654 (VCV001016654.9), dbSNP rs1468039885, ClinGen allele CA350877125.